The following is an entry in ClinVar:

NM_181332.3(NLGN4X):c.334dup (p.Gln112fs)

Gene: NLGN4X (neuroligin 4 X-linked; minus strand). Cytogenetic location: Xp22.31.
Variant type: Duplication.
Coding change: c.334dup on transcript NM_181332.3 (MANE Select); coding-DNA position 334, one base duplicated (C; older notation c.334dupC).
Protein change: p.Gln112fs; shifts the reading frame from glutamine 112.
Molecular consequence: frameshift variant.
Genome position (GRCh38, 1-based): chrX:6,151,133, G duplicated on the plus strand (C on the coding strand, the reverse complement: NLGN4X is on the minus strand); the first of 5 consecutive G bases (chrX:6,151,133-6,151,137); duplicating any one gives the same sequence. VCF-style (leftmost placement, unchanged base first): chrX-6151132-T-TG. GRCh37 (hg19) VCF-style: chrX-6069173-T-TG.
Other names: c.334dup, p.Gln112fs (NM_001282145.2, NM_001282146.2, NM_020742.4); short protein forms Q112fs.
Identifiers: ClinVar variation 1730501 (VCV001730501.2), dbSNP rs2519421361, ClinGen allele CA2580100871.
Genomic context (GRCh38, chrX:6,151,132, plus strand): 5'-AAATTGGCGGTAAACCAGATGGGCAGCATGTCATGCAGTAAGGATCTCTCATCCAGGTGC[T>TG]GGGGGCACACAGCAGCAAACTGAGTAGTATTTCGGATGCCAGTCCAGGAGGACGGGGGTT-3'

ClinVar aggregate classification (germline): Pathogenic (1 of 4 stars; one submission).

Conditions:
Inborn genetic diseases. Identifiers: MedGen C0950123, MeSH D030342.

Submission:

Ambry Genetics
Classification: Pathogenic for Inborn genetic diseases. Last evaluated: 2017-06-14. Review status: criteria provided, single submitter. Criteria: Ambry Variant Classification Scheme 2023. Collection method: clinical testing. Allele origin: germline.
Comment: The c.334dupC pathogenic mutation, located in coding exon 1 of the NLGN4X gene, results from a duplication of C at nucleotide position 334, causing a translational frameshift with a predicted alternate stop codon (p.Q112Pfs*5). This alteration is expected to result in loss of function by premature protein truncation or nonsense-mediated mRNA decay. As such, this alteration is interpreted as a disease-causing mutation.